The following is an entry in ClinVar:

ClinVar aggregate classification (germline): Uncertain significance. Review status: criteria provided, multiple submitters, no conflicts (2 of 4 stars). 2 submissions from 2 submitters: Uncertain significance (2). Last evaluated 2023-01-11.

Conditions:
Epidermolysis bullosa simplex 5B, with muscular dystrophy (EBS5B). Also called: Epidermolysis bullosa simplex with muscular dystrophy; EPIDERMOLYSIS BULLOSA SIMPLEX AND LIMB-GIRDLE MUSCULAR DYSTROPHY. Identifiers: Orphanet 257, MedGen C2931072, MONDO:0009181, OMIM 226670.
Epidermolysis bullosa simplex, Ogna type (EBS5A). Also called: Pidermolysis bullosa simplex 5A, Ogna type; EPIDERMOLYSIS BULLOSA SIMPLEX 5A, OGNA TYPE. Identifiers: Orphanet 79401, MedGen C0432317, MONDO:0007555, OMIM 131950.
Epidermolysis bullosa simplex 5C, with pyloric atresia (EBS5C). Also called: PLEC1-Related Epidermolysis Bullosa with Pyloric Atresia; PLEC-Related Epidermolysis Bullosa with Pyloric Atresia; Epidermolysis bullosa simplex with pyloric atresia. Identifiers: Orphanet 158684, MedGen C2677349, MONDO:0012807, OMIM 612138.
Autosomal recessive limb-girdle muscular dystrophy type 2Q (LGMDR17). Also called: MUSCULAR DYSTROPHY, LIMB-GIRDLE, AUTOSOMAL RECESSIVE 17. Identifiers: Orphanet 254361, MedGen C3150989, MONDO:0013390, OMIM 613723.
Epidermolysis bullosa simplex with nail dystrophy (EBS5D). Identifiers: MedGen C4225309, MONDO:0014661, OMIM 616487.

Allele frequency attached by ClinVar (database versions not stated): gnomAD exomes 0.00003.
gnomAD v4.1: 36 of 1,613,340 alleles (0.0022%); highest among the groups gnomAD compares: Non-Finnish European, 0.0031%; no homozygotes.

Submissions (2):

Blueprint Genetics
Classification: Uncertain significance. Last evaluated: 2023-01-11. Review status: criteria provided, single submitter. Criteria: ACMG Guidelines, 2015. Collection method: clinical testing. Allele origin: germline.

Labcorp Genetics (formerly Invitae), Labcorp
Classification: Uncertain significance for Autosomal recessive limb-girdle muscular dystrophy type 2Q; Epidermolysis bullosa simplex, Ogna type; Epidermolysis bullosa simplex with nail dystrophy; Epidermolysis bullosa simplex 5C, with pyloric atresia; Epidermolysis bullosa simplex 5B, with muscular dystrophy. Last evaluated: 2021-10-09. Review status: criteria provided, single submitter. Criteria: Invitae Variant Classification Sherloc (09022015). Collection method: clinical testing. Allele origin: germline.
Comment: This sequence change replaces isoleucine with valine at codon 3318 of the PLEC protein (p.Ile3318Val). The isoleucine residue is moderately conserved and there is a small physicochemical difference between isoleucine and valine. This variant is not present in population databases (ExAC no frequency). This variant has not been reported in the literature in individuals affected with PLEC-related conditions. Algorithms developed to predict the effect of missense changes on protein structure and function (SIFT, PolyPhen-2, Align-GVGD) all suggest that this variant is likely to be tolerated. In summary, the available evidence is currently insufficient to determine the role of this variant in disease. Therefore, it has been classified as a Variant of Uncertain Significance.

NM_201384.3(PLEC):c.9871A>G (p.Ile3291Val)

Gene: PLEC (plectin; minus strand). Cytogenetic location: 8q24.3.
Variant type: single nucleotide variant.
Coding change: c.9871A>G on transcript NM_201384.3 (MANE Select); coding-DNA position 9871, A replaced by G.
Protein change: p.Ile3291Val; replaces isoleucine 3291 with valine.
Molecular consequence: missense variant.
Genome position (GRCh38, 1-based): chr8:143,919,950, T>C on the plus strand (A>G on the coding strand, the complement: PLEC is on the minus strand). VCF-style: chr8-143919950-T-C. GRCh37 (hg19) VCF-style: chr8-144994118-T-C.
Other names: c.9952A>G, p.Ile3318Val (NM_000445.5); c.9829A>G, p.Ile3277Val (NM_201378.4); c.9805A>G, p.Ile3269Val (NM_201379.3); c.10282A>G, p.Ile3428Val (NM_201380.4); c.9775A>G, p.Ile3259Val (NM_201381.3); c.9871A>G, p.Ile3291Val (NM_201382.4); c.9883A>G, p.Ile3295Val (NM_201383.3); short protein forms I3269V, I3295V, I3428V, I3318V, I3291V, I3259V, I3277V.
Identifiers: ClinVar variation 1035941 (VCV001035941.8), dbSNP rs1821975161, ClinGen allele CA372506128.
Genomic context (GRCh38, chr8:143,919,950, plus strand): 5'-GGGCACGGAGGCCGCTGAAGGACAGCCTCTCCTGCCGCAGGGTCTCCACCTCCTCCACGA[T>C]GGTAATGAGAATCTTGATGACCTTCTCCACGGTGACCTTGCCCGTGCGGAACTGACGCAA-3'
Protein context (NP_958786.1, residues 3281-3301): VEKVIKILIT[Ile3291Val]VEEVETLRQE